The following is an entry in ClinVar:

ClinVar aggregate classification (germline): Conflicting classifications of pathogenicity. Review status: criteria provided, conflicting classifications (1 of 4 stars). 5 submissions from 5 submitters: Uncertain significance (3); Benign (1); Likely benign (1). Last evaluated 2025-02-11.

Conditions:
Emery-Dreifuss muscular dystrophy 5, autosomal dominant (EDMD5). Also called: EMERY-DREIFUSS MUSCULAR DYSTROPHY 5. Identifiers: Orphanet 261, MedGen C2751805, MONDO:0013072, OMIM 612999.

Allele frequency attached by ClinVar (database versions not stated): gnomAD 0.00002; TOPMed 0.00003; ESP Exome Variant Server 0.00008.
gnomAD v4.1: 59 of 1,614,060 alleles (0.0037%); highest among the groups gnomAD compares: East Asian, 0.016%; no homozygotes.

Submissions (5):

Labcorp Genetics (formerly Invitae), Labcorp
Classification: Uncertain significance for Emery-Dreifuss muscular dystrophy 5, autosomal dominant. Last evaluated: 2025-02-11. Review status: criteria provided, single submitter. Criteria: Invitae Variant Classification Sherloc (09022015). Collection method: clinical testing. Allele origin: germline.
Comment: This sequence change replaces proline, which is neutral and non-polar, with leucine, which is neutral and non-polar, at codon 4232 of the SYNE2 protein (p.Pro4232Leu). This variant is present in population databases (rs139959852, gnomAD 0.03%). This variant has not been reported in the literature in individuals affected with SYNE2-related conditions. ClinVar contains an entry for this variant (Variation ID: 470925). An algorithm developed to predict the effect of missense changes on protein structure and function outputs the following: PolyPhen-2: "Benign". The leucine amino acid residue is found in multiple mammalian species, which suggests that this missense change does not adversely affect protein function. In summary, the available evidence is currently insufficient to determine the role of this variant in disease. Therefore, it has been classified as a Variant of Uncertain Significance.

Blueprint Genetics
Classification: Likely benign. Last evaluated: 2024-04-19. Review status: criteria provided, single submitter. Criteria: ACMG Guidelines, 2015. Collection method: clinical testing. Allele origin: germline.

Ambry Genetics
Classification: Uncertain significance. Last evaluated: 2021-10-12. Review status: criteria provided, single submitter. Criteria: Ambry Variant Classification Scheme 2023. Collection method: clinical testing. Allele origin: germline.

Revvity Omics, Revvity
Classification: Uncertain significance for Emery-Dreifuss muscular dystrophy 5, autosomal dominant. Last evaluated: 2019-04-23. Review status: criteria provided, single submitter. Criteria: ACMG Guidelines, 2015. Collection method: clinical testing. Allele origin: germline.

Illumina Laboratory Services, Illumina
Classification: Benign for Emery-Dreifuss muscular dystrophy 5, autosomal dominant. Last evaluated: 2018-01-13. Review status: criteria provided, single submitter. Criteria: ICSL Variant Classification Criteria 13 December 2019. Collection method: clinical testing. Allele origin: germline.
Comment: This variant was observed in the ICSL laboratory as part of a predisposition screen in an ostensibly healthy population. It had not been previously curated by ICSL or reported in the Human Gene Mutation Database (HGMD: prior to June 1st, 2018), and was therefore a candidate for classification through an automated scoring system. Utilizing variant allele frequency, disease prevalence and penetrance estimates, and inheritance mode, an automated score was calculated to assess if this variant is too frequent to cause the disease. Based on the score and internal cut-off values, a variant classified as benign is not then subjected to further curation. The score for this variant resulted in a classification of benign for this disease.

NM_182914.3(SYNE2):c.12695C>T (p.Pro4232Leu)

Gene: SYNE2 (spectrin repeat containing nuclear envelope protein 2; plus strand). Cytogenetic location: 14q23.2.
Variant type: single nucleotide variant.
Coding change: c.12695C>T on transcript NM_182914.3 (MANE Select); coding-DNA position 12695, C replaced by T.
Protein change: p.Pro4232Leu; replaces proline 4232 with leucine.
Molecular consequence: missense variant.
Genome position (GRCh38, 1-based): chr14:64,113,426, C>T. VCF-style: chr14-64113426-C-T. GRCh37 (hg19) VCF-style: chr14-64580144-C-T.
Other names: c.12695C>T, p.Pro4232Leu (NM_015180.6); short protein forms P4232L.
Identifiers: ClinVar variation 470925 (VCV000470925.18), dbSNP rs139959852, ClinGen allele CA7222241.